The following is an entry in ClinVar:

ClinVar aggregate classification (germline): Pathogenic (1 of 4 stars; one submission).

Conditions:
Maple syrup urine disease (MSUD). Identifiers: Orphanet 511, MedGen C0024776, MeSH D008375, MONDO:0009563. Disease mechanism: loss of function.

Submission:

Labcorp Genetics (formerly Invitae), Labcorp
Classification: Pathogenic for Maple syrup urine disease. Last evaluated: 2021-01-20. Review status: criteria provided, single submitter. Criteria: Invitae Variant Classification Sherloc (09022015). Collection method: clinical testing. Allele origin: germline.
Comment: This variant is not present in population databases (ExAC no frequency). This sequence change creates a premature translational stop signal (p.Gln321Valfs*5) in the DBT gene. It is expected to result in an absent or disrupted protein product. Loss-of-function variants in DBT are known to be pathogenic (PMID: 16579849, 16786533). This variant has not been reported in the literature in individuals with DBT-related conditions. For these reasons, this variant has been classified as Pathogenic.

Literature cited by the submitters: PubMed 16579849; PubMed 16786533.

NM_001918.5(DBT):c.961_962del (p.Gln321fs)

Gene: DBT (dihydrolipoamide branched chain transacylase E2; minus strand). Cytogenetic location: 1p21.2.
Variant type: Deletion.
Coding change: c.961_962del on transcript NM_001918.5 (MANE Select); coding-DNA positions 961 to 962, 2 bases deleted (CA; older notation c.961_962delCA).
Protein change: p.Gln321fs; shifts the reading frame from glutamine 321.
Molecular consequence: frameshift variant.
Genome position (GRCh38, 1-based): chr1:100,210,749-100,210,750, TG deleted on the plus strand (CA on the coding strand, the reverse complement: DBT is on the minus strand); deleting any 2 consecutive bases within chr1:100,210,749-100,210,751 gives the same sequence; the c. name uses the placement nearest the transcript's 3' end. VCF-style (leftmost placement, unchanged base first): chr1-100210748-CTG-C. GRCh37 (hg19) VCF-style: chr1-100676304-CTG-C.
Other names: short protein forms Q321fs.
Identifiers: ClinVar variation 1451318 (VCV001451318.6), dbSNP rs2100788460, ClinGen allele CA2573130843.